The following is an entry in ClinVar:

ClinVar aggregate classification (germline): Conflicting classifications of pathogenicity. Review status: criteria provided, conflicting classifications (1 of 4 stars). 4 submissions from 4 submitters: Uncertain significance (1); Likely benign (3). Last evaluated 2026-05-27.

Conditions:
ADAMTS17-related disorder. Also called: ADAMTS17-related condition.
Weill-Marchesani 4 syndrome, recessive. Also called: Weill-Marchesani syndrome 4. Identifiers: Orphanet 363992, MedGen C2750787, MONDO:0013176, OMIM 613195.

Allele frequency attached by ClinVar (database versions not stated): TOPMed 0.00006; ExAC 0.00008; gnomAD exomes 0.00011; gnomAD 0.00005 and 0.00006.
gnomAD v4.1: 105 of 1,614,034 alleles (0.0065%); highest among the groups gnomAD compares: Admixed American, 0.023%; no homozygotes.

Submissions (4):

PreventionGenetics, part of Exact Sciences
Classification: Likely benign for ADAMTS17-related condition. Last evaluated: 2026-05-27. Review status: criteria provided, single submitter. Criteria: ACMG Guidelines, 2015. Collection method: clinical testing. Allele origin: germline.
Comment: This variant is classified as likely benign based on ACMG/AMP sequence variant interpretation guidelines (Richards et al. 2015 PMID: 25741868, with internal and published modifications).

Labcorp Genetics (formerly Invitae), Labcorp
Classification: Likely benign. Last evaluated: 2026-02-02. Review status: criteria provided, single submitter. Criteria: Invitae Variant Classification Sherloc (09022015). Collection method: clinical testing. Allele origin: germline.

Mayo Clinic Laboratories, Mayo Clinic
Classification: Likely benign. Last evaluated: 2025-04-11. Review status: criteria provided, single submitter. Criteria: ACMG Guidelines, 2015. Collection method: clinical testing. Allele origin: germline. Observed: 1 variant allele.
Comment: BP4, BP7

Illumina Laboratory Services, Illumina
Classification: Uncertain significance for Weill-Marchesani 4 syndrome, recessive. Last evaluated: 2018-01-12. Review status: criteria provided, single submitter. Criteria: ICSL Variant Classification Criteria 13 December 2019. Collection method: clinical testing. Allele origin: germline.

NM_139057.4(ADAMTS17):c.1971C>G (p.Pro657=)

Gene: ADAMTS17 (ADAM metallopeptidase with thrombospondin type 1 motif 17; minus strand). Cytogenetic location: 15q26.3.
Variant type: single nucleotide variant.
Coding change: c.1971C>G on transcript NM_139057.4 (MANE Select); coding-DNA position 1971, C replaced by G.
Protein change: p.Pro657=; no amino-acid change (proline 657 retained).
Molecular consequence: synonymous variant.
Genome position (GRCh38, 1-based): chr15:100,109,034, G>C on the plus strand (C>G on the coding strand, the complement: ADAMTS17 is on the minus strand). VCF-style: chr15-100109034-G-C. GRCh37 (hg19) VCF-style: chr15-100649239-G-C.
Other names: p.Pro657=; c.1971C>G (NM_139057.3).
Identifiers: ClinVar variation 315276 (VCV000315276.14), dbSNP rs760290195, ClinGen allele CA7757967.
Genomic context (GRCh38, chr15:100,109,034, plus strand): 5'-GGAGAAGTACGTCACCTGGCACTTGCCGTGCACGCAGAGATCAGTCTCGTAGGGCCCGCA[G>C]GGTGTACCGTCCAGGACCCTGTCGGCCACCAGCAGTGGGGACTCCTTCCCGAGGGGCGAG-3'
Protein context (NP_620688.2, residues 647-667): LVADRVLDGT[Pro657=]CGPYETDLCV